The following is an entry in ClinVar:

NM_000550.3(TYRP1):c.35T>G (p.Ile12Ser)

Gene: TYRP1 (tyrosinase related protein 1; plus strand). Cytogenetic location: 9p23.
Variant type: single nucleotide variant.
Coding change: c.35T>G on transcript NM_000550.3 (MANE Select); coding-DNA position 35, T replaced by G.
Protein change: p.Ile12Ser; replaces isoleucine 12 with serine.
Molecular consequence: missense variant.
Genome position (GRCh38, 1-based): chr9:12,694,031, T>G. VCF-style: chr9-12694031-T-G. GRCh37 (hg19) VCF-style: chr9-12694031-T-G.
Other names: short protein forms I12S.
Identifiers: ClinVar variation 2002532 (VCV002002532.4), dbSNP rs886529575, ClinGen allele CA372935980.

ClinVar aggregate classification (germline): Uncertain significance (1 of 4 stars; one submission).

Allele frequency attached by ClinVar (database versions not stated): gnomAD exomes below 0.00001.
gnomAD v4.1: 2 of 1,614,080 alleles (0.00012%); highest among the groups gnomAD compares: Non-Finnish European, 0.00017%; no homozygotes.

Submission:

Labcorp Genetics (formerly Invitae), Labcorp
Classification: Uncertain significance. Last evaluated: 2022-07-30. Review status: criteria provided, single submitter. Criteria: Invitae Variant Classification Sherloc (09022015). Collection method: clinical testing. Allele origin: germline.
Comment: In summary, the available evidence is currently insufficient to determine the role of this variant in disease. Therefore, it has been classified as a Variant of Uncertain Significance. Algorithms developed to predict the effect of missense changes on protein structure and function (SIFT, PolyPhen-2, Align-GVGD) all suggest that this variant is likely to be tolerated. This variant has not been reported in the literature in individuals affected with TYRP1-related conditions. This variant is not present in population databases (gnomAD no frequency). This sequence change replaces isoleucine, which is neutral and non-polar, with serine, which is neutral and polar, at codon 12 of the TYRP1 protein (p.Ile12Ser).